The following is an entry in ClinVar:

ClinVar aggregate classification (germline): Uncertain significance (1 of 4 stars; one submission).

Allele frequency attached by ClinVar (database versions not stated): gnomAD exomes below 0.00001.
gnomAD v4.1: 2 of 1,614,144 alleles (0.00012%); highest among the groups gnomAD compares: Non-Finnish European, 0.00017%; no homozygotes.

Submission:

Labcorp Genetics (formerly Invitae), Labcorp
Classification: Uncertain significance. Last evaluated: 2023-07-17. Review status: criteria provided, single submitter. Criteria: Invitae Variant Classification Sherloc (09022015). Collection method: clinical testing. Allele origin: germline.
Comment: This sequence change replaces arginine, which is basic and polar, with cysteine, which is neutral and slightly polar, at codon 550 of the CTNNB1 protein (p.Arg550Cys). This variant is not present in population databases (gnomAD no frequency). In summary, the available evidence is currently insufficient to determine the role of this variant in disease. Therefore, it has been classified as a Variant of Uncertain Significance. Advanced modeling of protein sequence and biophysical properties (such as structural, functional, and spatial information, amino acid conservation, physicochemical variation, residue mobility, and thermodynamic stability) performed at Invitae indicates that this missense variant is not expected to disrupt CTNNB1 protein function. ClinVar contains an entry for this variant (Variation ID: 1388743). This variant has not been reported in the literature in individuals affected with CTNNB1-related conditions.

NM_001904.4(CTNNB1):c.1648C>T (p.Arg550Cys)

Genes: CTNNB1 (catenin beta 1; plus strand), LOC126806659 (BRD4-independent group 4 enhancer GRCh37_chr3:41274918-41276117; plus strand). Cytogenetic location: 3p22.1.
Variant type: single nucleotide variant.
Coding change: c.1648C>T on transcript NM_001904.4 (MANE Select); coding-DNA position 1648, C replaced by T.
Protein change: p.Arg550Cys; replaces arginine 550 with cysteine.
Molecular consequence: missense variant.
Genome position (GRCh38, 1-based): chr3:41,234,262, C>T. VCF-style: chr3-41234262-C-T. GRCh37 (hg19) VCF-style: chr3-41275753-C-T.
Other names: c.1648C>T, p.Arg550Cys (NM_001098209.2, NM_001098210.2); c.1627C>T, p.Arg543Cys (NM_001330729.2); short protein forms R543C, R550C.
Identifiers: ClinVar variation 1388743 (VCV001388743.6), dbSNP rs2125642099, ClinGen allele CA352234415.
Genomic context (GRCh38, chr3:41,234,262, plus strand): 5'-CAGGGTGCCATTCCACGACTAGTTCAGTTGCTTGTTCGTGCACATCAGGATACCCAGCGC[C>T]GTACGTCCATGGGTGGGACACAGCAGCAATTTGTGGTAGGTAAATTCTTACAGTGATACC-3'
Protein context (NP_001895.1, residues 540-560): LVRAHQDTQR[Arg550Cys]TSMGGTQQQF